The following is an entry in ClinVar:

ClinVar aggregate classification (germline): Uncertain significance (0 of 4 stars; one submission).

Conditions:
Hearing impairment. Also called: Impaired Hearing. Identifiers: MedGen C1384666, MONDO:0005365, HP:0000365.

gnomAD v4.1: 1 of 152,208 alleles (0.00066%); highest among the groups gnomAD compares: Non-Finnish European, 0.0015%; no homozygotes.

Submission:

Joint Genome Diagnostic Labs from Nijmegen and Maastricht, Radboudumc and MUMC+
Classification: Uncertain significance for hearing impairment. Review status: no assertion criteria provided. Collection method: clinical testing. Allele origin: germline. Affected: yes.

NM_005422.4(TECTA):c.2942-910A>G

Genes: TBCEL-TECTA (TBCEL-TECTA readthrough; plus strand), TECTA (tectorin alpha; plus strand). Cytogenetic location: 11q23.3.
Variant type: single nucleotide variant.
Coding change: c.2942-910A>G on transcript NM_005422.4 (MANE Select); 910 bases into the intron before coding-DNA position 2942, A replaced by G.
Molecular consequence: intron variant.
Genome position (GRCh38, 1-based): chr11:121,136,511, A>G. VCF-style: chr11-121136511-A-G. GRCh37 (hg19) VCF-style: chr11-121007220-A-G.
Other names: c.3899-910A>G (NM_001378761.1).
Identifiers: ClinVar variation 3338146 (VCV003338146.1).
Genomic context (GRCh38, chr11:121,136,511, plus strand): 5'-ACCAGGAACAGAGAAATGAAAGACAAAGGGAGAGTCTACAAGCCAATTTGCAGAGTAAAA[A>G]TACCTACATATAGCCTGTCTGTGTAATAGAAGGAGGTACAAAGAGGAGCAAGGCATACCA-3'